The following is an entry in ClinVar:

NM_001363118.2(SLC52A2):c.962A>G (p.Asn321Ser)

Gene: SLC52A2 (solute carrier family 52 member 2; plus strand). Cytogenetic location: 8q24.3.
Variant type: single nucleotide variant.
Coding change: c.962A>G on transcript NM_001363118.2 (MANE Select); coding-DNA position 962, A replaced by G.
Protein change: p.Asn321Ser; replaces asparagine 321 with serine.
Molecular consequence: missense variant. On other transcripts: non-coding transcript variant (1).
Genome position (GRCh38, 1-based): chr8:144,360,454, A>G. VCF-style: chr8-144360454-A-G. GRCh37 (hg19) VCF-style: chr8-145584114-A-G.
Other names: c.962A>G, p.Asn321Ser (NM_001253815.2, NM_001253816.2, NM_001363120.2 and 2 more transcripts); c.470A>G, p.Asn157Ser (NM_001363122.2); short protein forms N157S, N321S.
Identifiers: ClinVar variation 842171 (VCV000842171.7), dbSNP rs540314261, ClinGen allele CA187657600.
Genomic context (GRCh38, chr8:144,360,454, plus strand): 5'-CCTGCTTACCCTACGGGCGTCTGGCCTACCACCTGGCTGTGGTGCTGGGCAGTGCTGCCA[A>G]TCCCCTGGCCTGCTTCCTGGCCATGGGTGTGCTGTGCAGGTACACAAGGACCCCCAGCCC-3'
Protein context (NP_001350047.1, residues 311-331): HLAVVLGSAA[Asn321Ser]PLACFLAMGV

ClinVar aggregate classification (germline): Uncertain significance (1 of 4 stars; one submission).

Conditions:
Brown-Vialetto-van Laere syndrome 2. Also called: SPINOCEREBELLAR ATAXIA WITH BLINDNESS AND DEAFNESS 2; Riboflavin transporter deficiency type 2. Identifiers: Orphanet 572543, Orphanet 97229, MedGen C3553538, MONDO:0013867, OMIM 614707.

Allele frequency attached by ClinVar (database versions not stated): gnomAD exomes below 0.00001; TOPMed below 0.00001.
gnomAD v4.1: 4 of 1,604,626 alleles (0.00025%); highest among the groups gnomAD compares: Non-Finnish European, 0.00025%; no homozygotes.

Submission:

Labcorp Genetics (formerly Invitae), Labcorp
Classification: Uncertain significance for Brown-Vialetto-van Laere syndrome 2. Last evaluated: 2019-11-18. Review status: criteria provided, single submitter. Criteria: Invitae Variant Classification Sherloc (09022015). Collection method: clinical testing. Allele origin: germline.
Comment: This sequence change replaces asparagine with serine at codon 321 of the SLC52A2 protein (p.Asn321Ser). The asparagine residue is highly conserved and there is a small physicochemical difference between asparagine and serine. This variant is not present in population databases (ExAC no frequency). This variant has not been reported in the literature in individuals with SLC52A2-related conditions. Algorithms developed to predict the effect of missense changes on protein structure and function output the following: SIFT: "Tolerated"; PolyPhen-2: "Benign"; Align-GVGD: "Class C0". The serine amino acid residue is found in multiple mammalian species, suggesting that this missense change does not adversely affect protein function. These predictions have not been confirmed by published functional studies and their clinical significance is uncertain. In summary, the available evidence is currently insufficient to determine the role of this variant in disease. Therefore, it has been classified as a Variant of Uncertain Significance.